The following is an entry in ClinVar:

ClinVar aggregate classification (germline): Uncertain significance (1 of 4 stars; one submission).

Submission:

Labcorp Genetics (formerly Invitae), Labcorp
Classification: Uncertain significance. Last evaluated: 2025-06-05. Review status: criteria provided, single submitter. Criteria: Invitae Variant Classification Sherloc (09022015). Collection method: clinical testing. Allele origin: germline.
Comment: This sequence change replaces glutamine, which is neutral and polar, with histidine, which is basic and polar, at codon 1836 of the MYH9 protein (p.Gln1836His). This variant is present in population databases (rs766271245, gnomAD 0.007%). This variant has not been reported in the literature in individuals affected with MYH9-related conditions. ClinVar contains an entry for this variant (Variation ID: 3628758). Invitae Evidence Modeling of protein sequence and biophysical properties (such as structural, functional, and spatial information, amino acid conservation, physicochemical variation, residue mobility, and thermodynamic stability) indicates that this missense variant is not expected to disrupt MYH9 protein function with a negative predictive value of 95%. In summary, the available evidence is currently insufficient to determine the role of this variant in disease. Therefore, it has been classified as a Variant of Uncertain Significance.

NM_002473.6(MYH9):c.5508G>T (p.Gln1836His)

Gene: MYH9 (myosin heavy chain 9; minus strand). Cytogenetic location: 22q12.3.
Variant type: single nucleotide variant.
Coding change: c.5508G>T on transcript NM_002473.6 (MANE Select); coding-DNA position 5508, G replaced by T.
Protein change: p.Gln1836His; replaces glutamine 1836 with histidine.
Molecular consequence: missense variant.
Genome position (GRCh38, 1-based): chr22:36,284,487, C>A on the plus strand (G>T on the coding strand, the complement: MYH9 is on the minus strand). VCF-style: chr22-36284487-C-A. GRCh37 (hg19) VCF-style: chr22-36680533-C-A.
Other names: short protein forms Q1836H.
Identifiers: ClinVar variation 3628758 (VCV003628758.2).